The following is an entry in ClinVar:

ClinVar aggregate classification (germline): Uncertain significance (1 of 4 stars; one submission).

Conditions:
Gorlin syndrome. Also called: Nevoid Basal Cell Carcinoma Syndrome; Basal cell nevus syndrome. Identifiers: Orphanet 377, MedGen C0004779, MONDO:0007187.

Submission:

Labcorp Genetics (formerly Invitae), Labcorp
Classification: Uncertain significance for Gorlin syndrome. Last evaluated: 2023-09-10. Review status: criteria provided, single submitter. Criteria: Invitae Variant Classification Sherloc (09022015). Collection method: clinical testing. Allele origin: germline.
Comment: This variant is not present in population databases (gnomAD no frequency). This variant, c.3854_3856del, results in the deletion of 1 amino acid(s) of the PTCH1 protein (p.Gln1285del), but otherwise preserves the integrity of the reading frame. This variant has not been reported in the literature in individuals affected with PTCH1-related conditions. Experimental studies and prediction algorithms are not available or were not evaluated, and the functional significance of this variant is currently unknown. In summary, the available evidence is currently insufficient to determine the role of this variant in disease. Therefore, it has been classified as a Variant of Uncertain Significance.

NM_000264.5(PTCH1):c.3851AGC[1] (p.Gln1285del)

Gene: PTCH1 (patched 1; minus strand). Cytogenetic location: 9q22.32.
Variant type: Microsatellite.
Coding change: c.3851AGC[1] on transcript NM_000264.5 (MANE Select); one copy of the 3-base unit AGC starting at c.3851; the reference has two copies in a row; one copy, 3 bases deleted.
Protein change: p.Gln1285del; deletes glutamine 1285.
Molecular consequence: inframe deletion. On other transcripts: non-coding transcript variant (1).
Genome position (GRCh38, 1-based): chr9:95,447,400-95,447,402, GCT deleted on the plus strand (AGC on the coding strand, the reverse complement: PTCH1 is on the minus strand); deleting any 3 consecutive bases within chr9:95,447,400-95,447,406 gives the same sequence; the position shown is the placement nearest the transcript's 3' end. VCF-style (leftmost placement, unchanged base first): chr9-95447399-GGCT-G. GRCh37 (hg19) VCF-style: chr9-98209681-GGCT-G.
Other names: c.3653AGC[1], p.Gln1219del (NM_001083602.3); c.3848AGC[1], p.Gln1284del (NM_001083603.3); c.3398AGC[1], p.Gln1134del (NM_001083604.3, NM_001083605.3, NM_001083606.3 and 1 more transcripts); c.3695AGC[1], p.Gln1233del (NM_001354918.2); short protein forms Q1219del, Q1233del, Q1284del, Q1134del, Q1285del.
Identifiers: ClinVar variation 2730784 (VCV002730784.3), dbSNP rs2538002855, ClinGen allele CA2697557940.